The following is an entry in ClinVar:

NM_003718.5(CDK13):c.2465T>C (p.Met822Thr)

Gene: CDK13 (cyclin dependent kinase 13; plus strand). Cytogenetic location: 7p14.1.
Variant type: single nucleotide variant.
Coding change: c.2465T>C on transcript NM_003718.5 (MANE Select); coding-DNA position 2465, T replaced by C.
Protein change: p.Met822Thr; replaces methionine 822 with threonine.
Molecular consequence: missense variant.
Genome position (GRCh38, 1-based): chr7:40,045,947, T>C. VCF-style: chr7-40045947-T-C. GRCh37 (hg19) VCF-style: chr7-40085546-T-C.
Other names: c.2465T>C, p.Met822Thr (NM_031267.4); short protein forms M822T.
Identifiers: ClinVar variation 3253342 (VCV003253342.1), dbSNP rs1471353477.

ClinVar aggregate classification (germline): Uncertain significance (1 of 4 stars; one submission).

Submission:

GeneDx
Classification: Uncertain significance. Last evaluated: 2023-12-11. Review status: criteria provided, single submitter. Criteria: GeneDx Variant Classification Process June 2021. Collection method: clinical testing. Allele origin: germline. Affected: yes.
Comment: Not observed at significant frequency in large population cohorts (gnomAD); In silico analysis supports that this missense variant has a deleterious effect on protein structure/function; Has not been previously published as pathogenic or benign to our knowledge